The following is an entry in ClinVar:

NM_001267550.2(TTN):c.4646-5T>G

Genes: TTN (titin; minus strand), LOC101927055 (uncharacterized LOC101927055; plus strand). Cytogenetic location: 2q31.2.
Variant type: single nucleotide variant.
Coding change: c.4646-5T>G on transcript NM_001267550.2 (MANE Select); 5 bases into the intron before coding-DNA position 4646, T replaced by G.
Molecular consequence: intron variant. On other transcripts: non-coding transcript variant (1).
Genome position (GRCh38, 1-based): chr2:178,777,322, A>C on the plus strand (T>G on the coding strand, the complement: TTN is on the minus strand). VCF-style: chr2-178777322-A-C. GRCh37 (hg19) VCF-style: chr2-179642049-A-C.
Other names: c.4508-5T>G (NM_003319.4, NM_133437.4, NM_133432.3); c.4646-5T>G (NM_133378.4, NM_001256850.1, NM_133379.5).
Identifiers: ClinVar variation 3223276 (VCV003223276.1), dbSNP rs750400475, ClinGen allele CA2005286.

ClinVar aggregate classification (germline): Uncertain significance (1 of 4 stars; one submission).

Conditions:
Cardiovascular phenotype. Identifiers: MedGen CN230736.

Allele frequency attached by ClinVar (database versions not stated): ExAC 0.00001; gnomAD 0.00001.
gnomAD v4.1: 1 of 1,613,712 alleles (0.000062%); highest among the groups gnomAD compares: Non-Finnish European, 0.000085%; no homozygotes.

Submission:

Ambry Genetics
Classification: Uncertain significance for Cardiovascular phenotype. Last evaluated: 2024-02-27. Review status: criteria provided, single submitter. Criteria: Ambry Variant Classification Scheme 2023. Collection method: clinical testing. Allele origin: germline.
Comment: The c.4508-5T>G intronic variant results from a T to G substitution 5 nucleotides upstream from coding exon 25 in the TTN gene. This nucleotide position is highly conserved in available vertebrate species. In silico splice site analysis for this alteration is inconclusive. Based on the available evidence, the clinical significance of this alteration remains unclear.